The following is an entry in ClinVar:

NC_000007.13:g.(?_6042074)_(6049099_?)dup

Genes: AIMP2 (aminoacyl tRNA synthetase complex interacting multifunctional protein 2; plus strand), PMS2 (PMS1 homolog 2, mismatch repair system component; minus strand). Cytogenetic location: 7p22.1.
Variant type: Duplication.
Identifiers: ClinVar variation 1474600 (VCV001474600.7).

ClinVar aggregate classification (germline): Uncertain significance (1 of 4 stars; one submission).

Conditions:
Hereditary nonpolyposis colorectal neoplasms. Identifiers: MedGen C0009405, MeSH D003123.

Submission:

Labcorp Genetics (formerly Invitae), Labcorp
Classification: Uncertain significance for Hereditary nonpolyposis colorectal neoplasms. Last evaluated: 2023-09-26. Review status: criteria provided, single submitter. Criteria: Invitae Variant Classification Sherloc (09022015). Collection method: clinical testing. Allele origin: germline.
Comment: This variant results in a copy number gain of the genomic region encompassing exon(s) 1-5 of the PMS2 gene. This region includes the initiator codon of the gene. This copy number gain extends beyond the assayed region for this gene and therefore may encompass additional genes. As the precise location of this event is unknown, it may be in tandem or it may be located elsewhere in the genome. This variant has not been reported in the literature in individuals affected with PMS2-related conditions. Experimental studies and prediction algorithms are not available or were not evaluated, and the functional significance of this variant is currently unknown. In summary, the available evidence is currently insufficient to determine the role of this variant in disease. Therefore, it has been classified as a Variant of Uncertain Significance.